The following is an entry in ClinVar:

ClinVar aggregate classification (germline): Benign. Review status: criteria provided, multiple submitters, no conflicts (2 of 4 stars). 5 submissions from 5 submitters: Benign (3). 2 of the submissions do not count toward it. Last evaluated 2026-07-01.

Conditions:
KMT2C-related disorder. Also called: KMT2C-related condition; KMT2C-related disorders.

Allele frequency attached by ClinVar (database versions not stated): 1000 Genomes Project 30x 0.00250; 1000 Genomes Project 0.00260; TOPMed 0.00464; ESP Exome Variant Server 0.00561; gnomAD 0.00617 and 0.00630; gnomAD exomes 0.00667; ExAC 0.00685.
gnomAD v4.1: 11,405 of 1,614,184 alleles (0.71%); highest among the groups gnomAD compares: Non-Finnish European, 0.78%; 62 homozygotes.

Submissions (13):

CeGaT Center for Human Genetics Tuebingen
Classification: Benign. Last evaluated: 2026-07-01. Review status: criteria provided, single submitter. Criteria: CeGaT Center For Human Genetics Tuebingen Variant Classification Criteria Version 2. Collection method: clinical testing. Allele origin: germline. Affected: yes. Observed: 67 variant alleles.
Comment: KMT2C: BP4, BS1, BS2

Labcorp Genetics (formerly Invitae), Labcorp
Classification: Benign. Last evaluated: 2026-01-12. Review status: criteria provided, single submitter. Criteria: Invitae Variant Classification Sherloc (09022015). Collection method: clinical testing. Allele origin: germline.

Breakthrough Genomics
Classification: Benign. Review status: criteria provided, single submitter. Criteria: ACMG Guidelines, 2015. Collection method: not provided. Allele origin: germline. Inheritance: Autosomal dominant inheritance. Affected: yes.

PreventionGenetics, part of Exact Sciences
Classification: Benign for KMT2C-related condition. Last evaluated: 2022-01-19. Review status: no assertion criteria provided. Collection method: clinical testing. Allele origin: germline. Not counted in ClinVar's aggregate classification.
Comment: This variant is classified as benign based on ACMG/AMP sequence variant interpretation guidelines (Richards et al. 2015 PMID: 25741868, with internal and published modifications).

ITMI
No classification provided. Condition: AllHighlyPenetrant. Last evaluated: 2013-09-19. Review status: no classification provided. Collection method: reference population. Allele origin: germline. Not counted in ClinVar's aggregate classification.
Comment: Please see associated publication for description of ethnicities

Dr. Peter K. Rogan Lab, Western University
No classification provided (evidence only). Condition: Clear cell carcinoma of kidney. Review status: no classification provided. Collection method: in vitro. Allele origin: not applicable. Functional consequence: retained intron. Not counted in ClinVar's aggregate classification.

Dr. Peter K. Rogan Lab, Western University
No classification provided (evidence only). Condition: Colorectal cancer. Review status: no classification provided. Collection method: in vitro. Allele origin: not applicable. Functional consequence: retained intron. Not counted in ClinVar's aggregate classification.

Dr. Peter K. Rogan Lab, Western University
No classification provided (evidence only). Condition: Thyroid cancer, nonmedullary, 1. Review status: no classification provided. Collection method: in vitro. Allele origin: not applicable. Functional consequence: retained intron. Not counted in ClinVar's aggregate classification.

Dr. Peter K. Rogan Lab, Western University
No classification provided (evidence only). Condition: Thyroid cancer, nonmedullary, 1. Review status: no classification provided. Collection method: in vitro. Allele origin: not applicable. Functional consequence: retained intron. Not counted in ClinVar's aggregate classification.

Dr. Peter K. Rogan Lab, Western University
No classification provided (evidence only). Condition: Ovarian serous cystadenocarcinoma. Review status: no classification provided. Collection method: in vitro. Allele origin: not applicable. Functional consequence: retained intron. Not counted in ClinVar's aggregate classification.

Dr. Peter K. Rogan Lab, Western University
No classification provided (evidence only). Condition: Ovarian serous cystadenocarcinoma. Review status: no classification provided. Collection method: in vitro. Allele origin: not applicable. Functional consequence: retained intron. Not counted in ClinVar's aggregate classification.

Dr. Peter K. Rogan Lab, Western University
No classification provided (evidence only). Condition: Gastric cancer. Review status: no classification provided. Collection method: in vitro. Allele origin: not applicable. Functional consequence: retained intron. Not counted in ClinVar's aggregate classification.

Dr. Peter K. Rogan Lab, Western University
No classification provided (evidence only). Condition: Malignant tumor of esophagus. Review status: no classification provided. Collection method: in vitro. Allele origin: not applicable. Functional consequence: retained intron. Not counted in ClinVar's aggregate classification.

Literature cited by the submitters: PubMed 24728327 (cited by ITMI).

NM_170606.3(KMT2C):c.7957C>G (p.Leu2653Val)

Gene: KMT2C (lysine methyltransferase 2C; minus strand). Cytogenetic location: 7q36.1.
Variant type: single nucleotide variant.
Coding change: c.7957C>G on transcript NM_170606.3 (MANE Select); coding-DNA position 7957, C replaced by G.
Protein change: p.Leu2653Val; replaces leucine 2653 with valine.
Molecular consequence: missense variant.
Genome position (GRCh38, 1-based): chr7:152,177,496, G>C on the plus strand (C>G on the coding strand, the complement: KMT2C is on the minus strand). VCF-style: chr7-152177496-G-C. GRCh37 (hg19) VCF-style: chr7-151874581-G-C.
Other names: short protein forms L2653V.
Identifiers: ClinVar variation 134776 (VCV000134776.43), dbSNP rs149373512, ClinGen allele CA160723.
Genomic context (GRCh38, chr7:152,177,496, plus strand): 5'-CAGACGTTGTTTCAGACGGTACAGATGTTGACAAAGGAGCTTCTGAAAATTCACCACCTA[G>C]TGGATGGTTCAGAGTCCTCATGACCATAGAAGATGAATGGACAGAATGACCTTGCTCTTG-3'
Protein context (NP_733751.2, residues 2643-2663): SMVMRTLNHP[Leu2653Val]GGEFSEAPLS